The following is an entry in ClinVar:

NM_003506.4(FZD6):c.1750G>T (p.Glu584Ter)

Gene: FZD6 (frizzled class receptor 6; plus strand). Cytogenetic location: 8q22.3.
Variant type: single nucleotide variant.
Coding change: c.1750G>T on transcript NM_003506.4 (MANE Select); coding-DNA position 1750, G replaced by T.
Protein change: p.Glu584Ter; replaces glutamic acid 584 with a stop codon.
Molecular consequence: nonsense. On other transcripts: non-coding transcript variant (1).
Genome position (GRCh38, 1-based): chr8:103,329,863, G>T. VCF-style: chr8-103329863-G-T. GRCh37 (hg19) VCF-style: chr8-104342091-G-T.
Other names: c.1750G>T, p.Glu584Ter (NM_001164615.2); c.1654G>T, p.Glu552Ter (NM_001164616.2); c.835G>T, p.Glu279Ter (NM_001317796.2); short protein forms E584*, E279*, E552*.
Identifiers: ClinVar variation 30355 (VCV000030355.5), dbSNP rs151339002, ClinGen allele CA129144.

ClinVar aggregate classification (germline): Pathogenic. Review status: no assertion criteria provided (0 of 4 stars). 2 submissions from 2 submitters: Pathogenic (2). Last evaluated 2011-06-10.

Conditions:
Nonsyndromic congenital nail disorder 1. Also called: CLAW-SHAPED NAILS; ONYCHAUXIS, HYPONYCHIA, AND ONYCHOLYSIS; NAIL DISORDER, NONSYNDROMIC CONGENITAL, 10; ONYCHODYSTROPHY TOTALIS, ISOLATED; Twenty nail dystrophy. Identifiers: Orphanet 280654, Orphanet 79153, MedGen C0406443, MONDO:0008060, OMIM 161050.
Nail disease. Also called: Nail disorder. Identifiers: MedGen C0027339, MONDO:0002884.

Allele frequency attached by ClinVar (database versions not stated): gnomAD exomes below 0.00001; ExAC 0.00001.

Submissions (2):

OMIM
Classification: Pathogenic for NAIL DISORDER, NONSYNDROMIC CONGENITAL, 1. Last evaluated: 2011-06-10. Review status: no assertion criteria provided. Collection method: literature only. Allele origin: germline.

Department of Immunology, Genetics and Pathology,  Uppsala University
Classification: Pathogenic. Review status: no assertion criteria provided. Collection method: not provided. Allele origin: germline, somatic.
ClinVar note: Converted during submission from pathogenic to Pathogenic.

Literature cited by the submitters: PubMed 21665003 (cited by OMIM); PubMed 22211385 (cited by OMIM).